The following is an entry in ClinVar:

NM_004172.5(SLC1A3):c.209C>G (p.Pro70Arg)

Gene: SLC1A3 (solute carrier family 1 member 3; plus strand). Cytogenetic location: 5p13.2.
Variant type: single nucleotide variant.
Coding change: c.209C>G on transcript NM_004172.5 (MANE Select); coding-DNA position 209, C replaced by G.
Protein change: p.Pro70Arg; replaces proline 70 with arginine.
Molecular consequence: missense variant. On other transcripts: intron variant (1).
Genome position (GRCh38, 1-based): chr5:36,629,477, C>G. VCF-style: chr5-36629477-C-G. GRCh37 (hg19) VCF-style: chr5-36629579-C-G.
Other names: c.209C>G, p.Pro70Arg (NM_001166695.3, NM_001289940.2); c.181+20873C>G (NM_001289939.2); short protein forms P70R.
Identifiers: ClinVar variation 1028197 (VCV001028197.1), dbSNP rs767138995, ClinGen allele CA359472971.

ClinVar aggregate classification (germline): Uncertain significance (1 of 4 stars; one submission).

Conditions:
Episodic ataxia type 6. Identifiers: Orphanet 209967, MedGen C2675211, MONDO:0012982, OMIM 612656.

Submission:

Baylor Genetics
Classification: Uncertain significance for Episodic ataxia type 6. Last evaluated: 2020-05-05. Review status: criteria provided, single submitter. Criteria: ACMG Guidelines, 2015. Collection method: clinical testing. Allele origin: unknown. Affected: yes.
Comment: This variant was determined to be of uncertain significance according to ACMG Guidelines, 2015 [PMID:25741868].